The following is an entry in ClinVar:

ClinVar aggregate classification (germline): Uncertain significance. Review status: criteria provided, multiple submitters, no conflicts (2 of 4 stars). 2 submissions from 2 submitters: Uncertain significance (2). Last evaluated 2025-01-09.

Conditions:
Teebi hypertelorism syndrome 2 (TBHS2). Identifiers: MedGen C5676911, MONDO:0030674, OMIM 619736.
Inborn genetic diseases. Identifiers: MedGen C0950123, MeSH D030342.

Allele frequency attached by ClinVar (database versions not stated): gnomAD 0.00001; gnomAD exomes 0.00001; ExAC 0.00003; TOPMed 0.00003.
gnomAD v4.1: 22 of 1,613,974 alleles (0.0014%); highest among the groups gnomAD compares: Admixed American, 0.0033%; no homozygotes.

Submissions (2):

Ambry Genetics
Classification: Uncertain significance for Inborn genetic diseases. Last evaluated: 2025-01-09. Review status: criteria provided, single submitter. Criteria: Ambry Variant Classification Scheme 2023. Collection method: clinical testing. Allele origin: germline.

Neuberg Centre For Genomic Medicine, NCGM
Classification: Uncertain significance for Teebi hypertelorism syndrome 2. Review status: criteria provided, single submitter. Criteria: ACMG Guidelines, 2015. Collection method: clinical testing. Allele origin: germline. Inheritance: Autosomal dominant inheritance. Affected: yes.
Comment: The missense c.2152G>A (p.Asp718Asn) variant in CDH11 gene has not been reported previously as a pathogenic variant nor as a benign variant, to our knowledge. The p.Asp718Asn variant is reported with an allele frequency of 0.002% in the gnomAD exomes database and is novel (not in any individuals) in 1000 Genomes database. This variant has not been reported to the ClinVar database. The amino acid Asp at position 718 is changed to a Asn changing protein sequence and it might alter its composition and physico-chemical properties. For these reasons, this variant has been classified as a Variant of Uncertain Significance (VUS).

NM_001797.4(CDH11):c.2152G>A (p.Asp718Asn)

Gene: CDH11 (cadherin 11; minus strand). Cytogenetic location: 16q21.
Variant type: single nucleotide variant.
Coding change: c.2152G>A on transcript NM_001797.4 (MANE Select); coding-DNA position 2152, G replaced by A.
Protein change: p.Asp718Asn; replaces aspartic acid 718 with asparagine.
Molecular consequence: missense variant. On other transcripts: 3 prime UTR variant (1).
Genome position (GRCh38, 1-based): chr16:64,947,842, C>T on the plus strand (G>A on the coding strand, the complement: CDH11 is on the minus strand). VCF-style: chr16-64947842-C-T. GRCh37 (hg19) VCF-style: chr16-64981745-C-T.
Other names: c.*249G>A (NM_001308392.2); c.1774G>A, p.Asp592Asn (NM_001330576.2); c.2152G>A (NM_001797.2); short protein forms D592N, D718N.
Identifiers: ClinVar variation 3242181 (VCV003242181.2), dbSNP rs778660327.